The following is an entry in ClinVar:

NM_024685.4(BBS10):c.283A>G (p.Arg95Gly)

Gene: BBS10 (Bardet-Biedl syndrome 10; minus strand). Cytogenetic location: 12q21.2.
Variant type: single nucleotide variant.
Coding change: c.283A>G on transcript NM_024685.4 (MANE Select); coding-DNA position 283, A replaced by G.
Protein change: p.Arg95Gly; replaces arginine 95 with glycine.
Molecular consequence: missense variant.
Genome position (GRCh38, 1-based): chr12:76,347,702, T>C on the plus strand (A>G on the coding strand, the complement: BBS10 is on the minus strand). VCF-style: chr12-76347702-T-C. GRCh37 (hg19) VCF-style: chr12-76741482-T-C.
Other names: short protein forms R95G.
Identifiers: ClinVar variation 5003470 (VCV005003470.1).

ClinVar aggregate classification (germline): Uncertain significance (1 of 4 stars; one submission).

Conditions:
Bardet-Biedl syndrome 10 (BBS10). Identifiers: Orphanet 110, MedGen C1859568, MONDO:0014438, OMIM 615987.

Submission:

Myriad Genetics, Inc.
Classification: Uncertain significance for Bardet-Biedl syndrome 10. Last evaluated: 2026-07-10. Review status: criteria provided, single submitter. Criteria: Myriad Autosomal Dominant, Autosomal Recessive and X-Linked Classification Criteria (2023). Collection method: clinical testing. Allele origin: unknown.
Comment: NM_024685.3(BBS10):c.283A>G(R95G) is a missense variant classified as a variant of uncertain significance in the context of Bardet-Biedl syndrome, BBS10-related. R95G has been observed in a case with relevant disease (PMID: 37095353). Relevant functional assessments of this variant are not available in the literature. R95G has not been observed in referenced population frequency databases. In summary, there is insufficient evidence to classify NM_024685.3(BBS10):c.283A>G(R95G) as pathogenic or benign. Please note: this variant was assessed in the context of healthy population screening.

Literature cited by the submitters: PubMed 37095353.